The following is an entry in ClinVar:

NM_000284.4(PDHA1):c.1022_1034del (p.Glu341fs)

Gene: PDHA1 (pyruvate dehydrogenase E1 subunit alpha 1; plus strand). Cytogenetic location: Xp22.12.
Variant type: Deletion.
Coding change: c.1022_1034del on transcript NM_000284.4 (MANE Select); coding-DNA positions 1022 to 1034, 13 bases deleted (AAGTGAGGAAGGA).
Protein change: p.Glu341fs; shifts the reading frame from glutamic acid 341.
Molecular consequence: frameshift variant.
Genome position (GRCh38, 1-based): chrX:19,359,502-19,359,514, AAGTGAGGAAGGA deleted. VCF-style (leftmost placement, unchanged base first): chrX-19359501-GAAGTGAGGAAGGA-G. GRCh37 (hg19) VCF-style: chrX-19377619-GAAGTGAGGAAGGA-G.
Other names: c.1136_1148del, p.Glu379fs (NM_001173454.2); c.1043_1055del, p.Glu348fs (NM_001173455.2); c.929_941del, p.Glu310fs (NM_001173456.2); short protein forms E310fs, E341fs, E348fs, E379fs.
Identifiers: ClinVar variation 4070288 (VCV004070288.1).

ClinVar aggregate classification (germline): Pathogenic (0 of 4 stars; one submission).

Conditions:
Pyruvate dehydrogenase E1-alpha deficiency (PDHAD). Also called: ATAXIA, INTERMITTENT, WITH PYRUVATE DEHYDROGENASE DEFICIENCY; ATAXIA WITH LACTIC ACIDOSIS I; ATAXIA, INTERMITTENT, WITH ABNORMAL PYRUVATE METABOLISM; Ataxia, intermittent, with pyruvate dehydrogenase, or decarboxylase, deficiency. Identifiers: Orphanet 79243, MedGen C1839413, MONDO:0010717, OMIM 312170.

Submission:

PDHA1 Study Group, University Children’s Hospital, Paracelsus Medical University
Classification: Pathogenic for Pyruvate dehydrogenase E1-alpha deficiency. Last evaluated: 2024-10-15. Review status: no assertion criteria provided. Collection method: research. Allele origin: de novo. Affected: yes. Observed: 2 variant alleles.
Comment: The NM_000284.3:c.1022_1034del (p.Glu341GlyfsTer79) change is a frameshift variant in PDHA1 gene. This variant is predicted to escape nonsense-mediated decay (NMD). In total, 2 individuals were diagnosed with PDHA1-related Pyruvate dehydrogenase complex (PDHc) deficiency (MIM #312170). Among them, 2 cases had confirmed de novo occurrence. This variant has been identified in 2 unpublished cases from internal data. Last literature search: July 12, 2024. This variant is absent or extremely rare in population-based cohorts in the Genome Aggregation Database (gnomAD). Individuals harboring this variant presented with clinical features compatible with PDHA1-related PDHc deficiency. In summary, this variant meets criteria to be classified as pathogenic (P) for PDHA1-related PDHc deficiency based on the ACMG/AMP criteria applied: PVS1, PS2, PM2 (last assessment October 15, 2024).

Literature cited by the submitters: DOI 10.1093/brain/awaf430.